The following is an entry in ClinVar:

NM_000017.4(ACADS):c.656C>G (p.Thr219Arg)

Gene: ACADS (acyl-CoA dehydrogenase short chain; plus strand). Cytogenetic location: 12q24.31.
Variant type: single nucleotide variant.
Coding change: c.656C>G on transcript NM_000017.4 (MANE Select); coding-DNA position 656, C replaced by G.
Protein change: p.Thr219Arg; replaces threonine 219 with arginine.
Molecular consequence: missense variant.
Genome position (GRCh38, 1-based): chr12:120,738,311, C>G. VCF-style: chr12-120738311-C-G. GRCh37 (hg19) VCF-style: chr12-121176114-C-G.
Other names: c.644C>G, p.Thr215Arg (NM_001302554.2); short protein forms T215R, T219R.
Identifiers: ClinVar variation 1307143 (VCV001307143.2), dbSNP rs148588313, ClinGen allele CA386600812.
Genomic context (GRCh38, chr12:120,738,311, plus strand): 5'-CTGAGAAAACCACCCGCCTCTCCTTTCAGGGCATCAGTGCCTTCCTGGTCCCCATGCCAA[C>G]GCCTGGGCTCACGTTGGGGAAGAAAGAAGACAAGCTGGGCATCCGGGGCTCATCCACGGC-3'
Protein context (NP_000008.1, residues 209-229): GISAFLVPMP[Thr219Arg]PGLTLGKKED

ClinVar aggregate classification (germline): Uncertain significance (1 of 4 stars; one submission).

Submission:

GeneDx
Classification: Uncertain significance. Last evaluated: 2019-07-10. Review status: criteria provided, single submitter. Criteria: GeneDx Variant Classification Process June 2021. Collection method: clinical testing. Allele origin: germline. Affected: yes.
Comment: Not observed in large population cohorts (Lek et al., 2016); In silico analysis, which includes protein predictors and evolutionary conservation, supports a deleterious effect; Has not been previously published as pathogenic or benign to our knowledge